The following is an entry in ClinVar:

NM_006767.4(LZTR1):c.1506_1510del (p.Gly503fs)

Gene: LZTR1 (leucine zipper like post translational regulator 1; plus strand). Cytogenetic location: 22q11.21.
Variant type: Deletion.
Coding change: c.1506_1510del on transcript NM_006767.4 (MANE Select); coding-DNA positions 1506 to 1510, 5 bases deleted (TGGGG; older notation c.1506_1510delTGGGG).
Protein change: p.Gly503fs; shifts the reading frame from glycine 503.
Molecular consequence: frameshift variant.
Genome position (GRCh38, 1-based): chr22:20,994,160-20,994,164, TGGGG deleted; deleting any 5 consecutive bases within chr22:20,994,158-20,994,164 gives the same sequence; the c. name uses the placement nearest the transcript's 3' end. VCF-style (leftmost placement, unchanged base first): chr22-20994157-TGGTGG-T. GRCh37 (hg19) VCF-style: chr22-21348446-TGGTGG-T.
Other names: c.1506_1510delTGGGG (NM_006767.3); short protein forms G503fs.
Identifiers: ClinVar variation 1453495 (VCV001453495.7), dbSNP rs1924718115, ClinGen allele CA2396641989.

ClinVar aggregate classification (germline): Pathogenic. Review status: criteria provided, multiple submitters, no conflicts (2 of 4 stars). 2 submissions from 2 submitters: Pathogenic (2). Last evaluated 2025-09-05.

Conditions:
Cardiovascular phenotype. Identifiers: MedGen CN230736.
Hereditary cancer-predisposing syndrome. Also called: Tumor predisposition; Neoplastic Syndromes, Hereditary; Hereditary Cancer Syndrome; Hereditary neoplastic syndrome. Identifiers: Orphanet 140162, MedGen C0027672, MeSH D009386, MONDO:0015356.

Submissions (2):

Ambry Genetics
Classification: Pathogenic for Cardiovascular phenotype; Hereditary cancer-predisposing syndrome. Last evaluated: 2025-09-05. Review status: criteria provided, single submitter. Criteria: Ambry Variant Classification Scheme 2023. Collection method: clinical testing. Allele origin: germline.
Comment: The c.1506_1510delTGGGG pathogenic mutation, located in coding exon 14 of the LZTR1 gene, results from a deletion of 5 nucleotides at nucleotide positions 1506 to 1510, causing a translational frameshift with a predicted alternate stop codon (p.G503Pfs*164). This variant is considered to be rare based on population cohorts in the Genome Aggregation Database (gnomAD).This alteration is expected to result in loss of function by premature protein truncation or nonsense-mediated mRNA decay. Loss-of-function variants in LZTR1 are related to an increased risk for schwannomas and autosomal recessive Noonan syndrome; however, such associations with autosomal dominant Noonan syndrome have not been observed (Piotrowski A et al. Nat Genet. 2014 Feb;46:182-7; Yamamoto GL et al. J Med Genet. 2015 Jun;52:413-21; Johnston JJ et al. Genet Med. 2018 10;20:1175-1185). Based on the supporting evidence, this variant is pathogenic for an increased risk of LZTR1-related schwannomatosis (SWN) and would be expected to cause autosomal recessive Noonan syndrome when present along with a second pathogenic or likely pathogenic variant on the other allele; however, the association of this alteration with autosomal dominant Noonan syndrome is unlikely.

Labcorp Genetics (formerly Invitae), Labcorp
Classification: Pathogenic. Last evaluated: 2021-01-16. Review status: criteria provided, single submitter. Criteria: Invitae Variant Classification Sherloc (09022015). Collection method: clinical testing. Allele origin: germline.
Comment: This sequence change creates a premature translational stop signal (p.Gly503Profs*164) in the LZTR1 gene. It is expected to result in an absent or disrupted protein product. Loss-of-function variants in LZTR1 are known to be pathogenic (PMID: 24362817, 25335493, 25480913, 29469822, 30442762, 30859559). This variant is not present in population databases (ExAC no frequency). This variant has not been reported in the literature in individuals with LZTR1-related conditions. For these reasons, this variant has been classified as Pathogenic.

Literature cited by the submitters: PubMed 24362817 (cited by Labcorp Genetics (formerly Invitae), Labcorp); PubMed 25335493 (cited by Labcorp Genetics (formerly Invitae), Labcorp); PubMed 25480913 (cited by Labcorp Genetics (formerly Invitae), Labcorp); PubMed 29469822 (cited by Labcorp Genetics (formerly Invitae), Labcorp); PubMed 30442762 (cited by Labcorp Genetics (formerly Invitae), Labcorp); PubMed 30859559 (cited by Labcorp Genetics (formerly Invitae), Labcorp).